The following is an entry in ClinVar:

NM_003072.5(SMARCA4):c.4942T>C (p.Ter1648Arg)

Gene: SMARCA4 (SWI/SNF related BAF chromatin remodeling complex subunit ATPase 4; plus strand). Cytogenetic location: 19p13.2.
Variant type: single nucleotide variant.
Coding change: c.4942T>C on transcript NM_003072.5 (MANE Select); coding-DNA position 4942, T replaced by C.
Protein change: p.Ter1648Arg.
Molecular consequence: stop lost. On other transcripts: non-coding transcript variant (1).
Genome position (GRCh38, 1-based): chr19:11,061,814, T>C. VCF-style: chr19-11061814-T-C. GRCh37 (hg19) VCF-style: chr19-11172490-T-C.
Other names: *1648R; *1680R; *1614R; *1615R; *1617R; *1618R; c.4840T>C, p.Ter1614Arg (NM_001128848.2); c.5038T>C, p.Ter1680Arg (NM_001128849.3); and 4 more.
Identifiers: ClinVar variation 961856 (VCV000961856.11), dbSNP rs2076918636, ClinGen allele CA404081999.
Genomic context (GRCh38, chr19:11,061,814, plus strand): 5'-GCACACTCTCTCCTCCTGTCCCCTCTCCAGGACCGCTCAGGAAGTGGCAGCGAAGAAGAC[T>C]GAGCCCCGACATTCCAGTCTCGACCCCGAGCCCCTCGTTCCAGAGCTGAGATGGCATAGG-3'

ClinVar aggregate classification (germline): Uncertain significance. Review status: criteria provided, multiple submitters, no conflicts (2 of 4 stars). 2 submissions from 2 submitters: Uncertain significance (2). Last evaluated 2024-11-30.

Conditions:
Hereditary cancer-predisposing syndrome. Also called: Tumor predisposition; Hereditary neoplastic syndrome; Hereditary Cancer Syndrome; Neoplastic Syndromes, Hereditary. Identifiers: Orphanet 140162, MedGen C0027672, MeSH D009386, MONDO:0015356.
Rhabdoid tumor predisposition syndrome 2 (RTPS2). Identifiers: Orphanet 231108, Orphanet 69077, MedGen C2750074, MONDO:0013224, OMIM 613325.

Allele frequency attached by ClinVar (database versions not stated): gnomAD exomes below 0.00001.
gnomAD v4.1: 1 of 1,614,052 alleles (0.000062%); highest among the groups gnomAD compares: Non-Finnish European, 0.000085%; no homozygotes.

Submissions (2):

Labcorp Genetics (formerly Invitae), Labcorp
Classification: Uncertain significance for Rhabdoid tumor predisposition syndrome 2. Last evaluated: 2024-11-30. Review status: criteria provided, single submitter. Criteria: Invitae Variant Classification Sherloc (09022015). Collection method: clinical testing. Allele origin: germline.
Comment: This sequence change disrupts the translational stop signal of the SMARCA4 mRNA. It is expected to extend the length of the SMARCA4 protein by 19 additional amino acid residues. This variant is not present in population databases (gnomAD no frequency). This variant has not been reported in the literature in individuals affected with SMARCA4-related conditions. ClinVar contains an entry for this variant (Variation ID: 961856). Experimental studies and prediction algorithms are not available or were not evaluated, and the functional significance of this variant is currently unknown. In summary, the available evidence is currently insufficient to determine the role of this variant in disease. Therefore, it has been classified as a Variant of Uncertain Significance.

Ambry Genetics
Classification: Uncertain significance for Hereditary cancer-predisposing syndrome. Last evaluated: 2023-08-08. Review status: criteria provided, single submitter. Criteria: Ambry Variant Classification Scheme 2023. Collection method: clinical testing. Allele origin: germline.
Comment: The c.5038T>C variant (also known as p.*1680Rext*19), located in coding exon 35 of the SMARCA4 gene, results from a T to C substitution at nucleotide position 5038. This alteration disrupts the stop codon of the SMARCA4 gene and is predicted to preserve the native sequence while resulting in the elongation of the protein by 19 amino acids. The exact functional effect of the additional amino acids is unknown. Since supporting evidence is limited at this time, the clinical significance of this alteration remains unclear.